The following is an entry in ClinVar:

ClinVar aggregate classification (germline): Uncertain significance (1 of 4 stars; one submission).

Conditions:
Hereditary cancer-predisposing syndrome. Also called: Hereditary Cancer Syndrome; Tumor predisposition; Hereditary neoplastic syndrome; Neoplastic Syndromes, Hereditary. Identifiers: Orphanet 140162, MedGen C0027672, MeSH D009386, MONDO:0015356.

Submission:

Ambry Genetics
Classification: Uncertain significance for Hereditary cancer-predisposing syndrome. Last evaluated: 2024-11-26. Review status: criteria provided, single submitter. Criteria: Ambry Variant Classification Scheme 2023. Collection method: clinical testing. Allele origin: germline.
Comment: The c.162_187dup26 variant, located in coding exon 3 of the MUTYH gene, results from a duplication of TGCAGGGATGATTGCTGAGTGTCCTG at nucleotide position 162, causing a translational frameshift with a predicted alternate stop codon (p.G63Vfs*4). However, this region of MUTYH is excluded from other biologically relevant MUTYH transcripts. Based on the available evidence, the clinical significance of this variant remains unclear.

NM_001128425.2(MUTYH):c.162_187dup (p.Gly63delinsValGlnGlyTer)

Gene: MUTYH (mutY DNA glycosylase; minus strand). Cytogenetic location: 1p34.1.
Variant type: Duplication.
Coding change: c.162_187dup on transcript NM_001128425.2 (MANE Plus Clinical); coding-DNA positions 162 to 187, 26 bases duplicated (TGCAGGGATGATTGCTGAGTGTCCTG).
Protein change: p.Gly63delinsValGlnGlyTer.
Molecular consequence: nonsense. On other transcripts: initiator codon variant (1), intron variant (24), splice acceptor variant (4), frameshift variant (1).
Genome position (GRCh38, 1-based): chr1:45,333,574-45,333,599, CAGGACACTCAGCAATCATCCCTGCA duplicated on the plus strand (TGCAGGGATGATTGCTGAGTGTCCTG on the coding strand, the reverse complement: MUTYH is on the minus strand); duplicating any 26 consecutive bases within chr1:45,333,574-45,333,603 gives the same sequence; the c. name uses the placement nearest the transcript's 3' end. VCF-style (leftmost placement, unchanged base first): chr1-45333573-C-CCAGGACACTCAGCAATCATCCCTGCA. GRCh37 (hg19) VCF-style: chr1-45799245-C-CCAGGACACTCAGCAATCATCCCTGCA.
Other names: c.-7_19dup, p.Gly7delinsValGlnGlyTer (NM_001407075.1); c.120_145dup, p.Gly49delinsValGlnGlyTer (NM_001407083.1, NM_001407085.1); c.116-38_116-13dup (NM_001407072.1, NM_001048171.2, NM_001407070.1 and 7 more transcripts); c.-92-102_-92-77dup (NM_001350651.2, NM_001407082.1); c.-97-102_-97-77dup (NM_001293192.2, NM_001293196.2, NM_001407091.1); c.-156-38_-156-13dup (NM_001350650.2); c.158-38_158-13dup (NM_001407073.1); c.158-35_158-10dup (NM_001293190.2); and 5 more.
Identifiers: ClinVar variation 3400154 (VCV003400154.1).